The following is an entry in ClinVar:

NM_000553.6(WRN):c.192C>G (p.Phe64Leu)

Gene: WRN (WRN RecQ like helicase; plus strand). Cytogenetic location: 8p12.
Variant type: single nucleotide variant.
Coding change: c.192C>G on transcript NM_000553.6 (MANE Select); coding-DNA position 192, C replaced by G.
Protein change: p.Phe64Leu; replaces phenylalanine 64 with leucine.
Molecular consequence: missense variant.
Genome position (GRCh38, 1-based): chr8:31,059,248, C>G. VCF-style: chr8-31059248-C-G. GRCh37 (hg19) VCF-style: chr8-30916764-C-G.
Other names: short protein forms F64L.
Identifiers: ClinVar variation 842045 (VCV000842045.4), dbSNP rs1374804871, ClinGen allele CA370912697.

ClinVar aggregate classification (germline): Uncertain significance. Review status: criteria provided, multiple submitters, no conflicts (2 of 4 stars). 3 submissions from 3 submitters: Uncertain significance (3). Last evaluated 2025-11-03.

Conditions:
Inborn genetic diseases. Identifiers: MedGen C0950123, MeSH D030342.
Werner syndrome (WRN). Identifiers: Orphanet 902, MedGen C0043119, MONDO:0010196, OMIM 277700.

Allele frequency attached by ClinVar (database versions not stated): gnomAD exomes 0.00001.
gnomAD v4.1: 10 of 1,613,264 alleles (0.00062%); highest among the groups gnomAD compares: South Asian, 0.011%; no homozygotes.

Submissions (3):

Ambry Genetics
Classification: Uncertain significance for Inborn genetic diseases. Last evaluated: 2025-11-03. Review status: criteria provided, single submitter. Criteria: Ambry Variant Classification Scheme 2023. Collection method: clinical testing. Allele origin: germline.

Department of Pathology and Laboratory Medicine, Sinai Health System
Classification: Uncertain significance for Werner syndrome. Last evaluated: 2023-03-18. Review status: criteria provided, single submitter. Criteria: ACMG Guidelines, 2015. Collection method: research. Allele origin: germline.

Labcorp Genetics (formerly Invitae), Labcorp
Classification: Uncertain significance for Werner syndrome. Last evaluated: 2019-12-05. Review status: criteria provided, single submitter. Criteria: Invitae Variant Classification Sherloc (09022015). Collection method: clinical testing. Allele origin: germline.
Comment: This sequence change replaces phenylalanine with leucine at codon 64 of the WRN protein (p.Phe64Leu). The phenylalanine residue is weakly conserved and there is a small physicochemical difference between phenylalanine and leucine. This variant is not present in population databases (ExAC no frequency). This variant has not been reported in the literature in individuals with WRN-related conditions. Algorithms developed to predict the effect of missense changes on protein structure and function output the following: SIFT: Not Available; PolyPhen-2: Benign; Align-GVGD: Not Available. The leucine amino acid residue is found in multiple mammalian species, suggesting that this missense change does not adversely affect protein function. These predictions have not been confirmed by published functional studies and their clinical significance is uncertain. In summary, the available evidence is currently insufficient to determine the role of this variant in disease. Therefore, it has been classified as a Variant of Uncertain Significance.